The following is an entry in ClinVar:

ClinVar aggregate classification (germline): Uncertain significance (1 of 4 stars; one submission).

Conditions:
Congenital hypothyroidism. Identifiers: Orphanet 442, MedGen C0010308, MONDO:0018612, HP:0000851.

gnomAD v4.1: 21 of 1,344,796 alleles (0.0016%); highest among the groups gnomAD compares: South Asian, 0.019%; no homozygotes.

Submission:

Cambridge Genomics Laboratory, East Genomic Laboratory Hub, NHS Genomic Medicine Service
Classification: Uncertain significance for Congenital hypothyroidism. Last evaluated: 2026-04-29. Review status: criteria provided, single submitter. Criteria: ACGS Best Practice Guidelines for Variant Classification in Rare Disease 2020. Collection method: clinical testing. Allele origin: germline. Affected: yes.
Comment: PM2,PP3

NM_000441.2(SLC26A4):c.2036T>C (p.Ile679Thr)

Gene: SLC26A4 (solute carrier family 26 member 4; plus strand). Cytogenetic location: 7q22.3.
Variant type: single nucleotide variant.
Coding change: c.2036T>C on transcript NM_000441.2 (MANE Select); coding-DNA position 2036, T replaced by C.
Protein change: p.Ile679Thr; replaces isoleucine 679 with threonine.
Molecular consequence: missense variant.
Genome position (GRCh38, 1-based): chr7:107,704,332, T>C. VCF-style: chr7-107704332-T-C. GRCh37 (hg19) VCF-style: chr7-107344777-T-C.
Other names: short protein forms I679T.
Identifiers: ClinVar variation 4850683 (VCV004850683.1).